The following is an entry in ClinVar:

ClinVar aggregate classification (germline): Conflicting classifications of pathogenicity. Review status: criteria provided, conflicting classifications (1 of 4 stars). 2 submissions from 2 submitters: Likely pathogenic (1); Uncertain significance (1). Last evaluated 2024-09-30.

Conditions:
Charcot-Marie-Tooth disease type 4. Also called: Charcot-Marie-Tooth, Type 4; Charcot-Marie-Tooth disease, type IV. Identifiers: Orphanet 64749, MedGen C4082197, MONDO:0018995.
Charcot-Marie-Tooth disease type 4B1. Also called: CHARCOT-MARIE-TOOTH DISEASE, DEMYELINATING, TYPE 4B1; Charcot-Marie-Tooth Neuropathy Type 4B1; CHARCOT-MARIE-TOOTH DISEASE, AUTOSOMAL RECESSIVE, WITH FOCALLY FOLDED MYELIN SHEATHS, AUTOSOMAL RECESSIVE, TYPE 4B1; CHARCOT-MARIE-TOOTH DISEASE, TYPE 4B. Identifiers: Orphanet 99955, MedGen C1832399, MONDO:0011066, OMIM 601382.

gnomAD v4.1: 7 of 1,613,112 alleles (0.00043%); highest among the groups gnomAD compares: Non-Finnish European, 0.00059%; no homozygotes.

Submissions (2):

Labcorp Genetics (formerly Invitae), Labcorp
Classification: Uncertain significance for Charcot-Marie-Tooth disease type 4. Last evaluated: 2024-09-30. Review status: criteria provided, single submitter. Criteria: Invitae Variant Classification Sherloc (09022015). Collection method: clinical testing. Allele origin: germline.
Comment: This sequence change creates a premature translational stop signal (p.Ser626*) in the MTMR2 gene. While this is not anticipated to result in nonsense mediated decay, it is expected to disrupt the last 18 amino acid(s) of the MTMR2 protein. This variant is not present in population databases (gnomAD no frequency). This variant has not been reported in the literature in individuals affected with MTMR2-related conditions. Experimental studies and prediction algorithms are not available or were not evaluated, and the functional significance of this variant is currently unknown. In summary, the available evidence is currently insufficient to determine the role of this variant in disease. Therefore, it has been classified as a Variant of Uncertain Significance.

Fulgent Genetics
Classification: Likely pathogenic for Charcot-Marie-Tooth disease type 4B1. Last evaluated: 2024-04-22. Review status: criteria provided, single submitter. Criteria: ACMG Guidelines, 2015. Collection method: clinical testing. Allele origin: germline.

NM_016156.6(MTMR2):c.1877C>G (p.Ser626Ter)

Gene: MTMR2 (myotubularin related protein 2; minus strand). Cytogenetic location: 11q21.
Variant type: single nucleotide variant.
Coding change: c.1877C>G on transcript NM_016156.6 (MANE Select); coding-DNA position 1877, C replaced by G.
Protein change: p.Ser626Ter; replaces serine 626 with a stop codon.
Molecular consequence: nonsense.
Genome position (GRCh38, 1-based): chr11:95,835,345, G>C on the plus strand (C>G on the coding strand, the complement: MTMR2 is on the minus strand). VCF-style: chr11-95835345-G-C. GRCh37 (hg19) VCF-style: chr11-95568509-G-C.
Other names: c.1661C>G, p.Ser554Ter (NM_001243571.2, NM_201278.3, NM_201281.3); short protein forms S554*, S626*.
Identifiers: ClinVar variation 3574136 (VCV003574136.3).
Genomic context (GRCh38, chr11:95,835,345, plus strand): 5'-GTCCTTTATACAACAGTTTGGACAGGAGTGACACACTGTGCAGGAGAGCTGGCTCTCTCT[G>C]AGGATGAGGTTGATCGGTTAGAAATCTCTCTCTGTAGTTCCTCTACTTTTTTCTGAAGCT-3'